The following is an entry in ClinVar:

ClinVar aggregate classification (germline): Likely benign (1 of 4 stars; one submission).

Submission:

CeGaT Center for Human Genetics Tuebingen
Classification: Likely benign. Last evaluated: 2025-10-01. Review status: criteria provided, single submitter. Criteria: CeGaT Center For Human Genetics Tuebingen Variant Classification Criteria Version 2. Collection method: clinical testing. Allele origin: germline. Affected: yes. Observed: 1 variant allele.
Comment: HRC: BP4, BP7

NM_002152.3(HRC):c.702T>C (p.His234=)

Gene: HRC (histidine rich calcium binding protein; minus strand). Cytogenetic location: 19q13.33.
Variant type: single nucleotide variant.
Coding change: c.702T>C on transcript NM_002152.3 (MANE Select); coding-DNA position 702, T replaced by C.
Protein change: p.His234=; no amino-acid change (histidine 234 retained).
Molecular consequence: synonymous variant.
Genome position (GRCh38, 1-based): chr19:49,154,536, A>G on the plus strand (T>C on the coding strand, the complement: HRC is on the minus strand). VCF-style: chr19-49154536-A-G. GRCh37 (hg19) VCF-style: chr19-49657793-A-G.
Identifiers: ClinVar variation 4533466 (VCV004533466.6).